The following is an entry in ClinVar:

ClinVar aggregate classification (germline): Uncertain significance. Review status: criteria provided, multiple submitters, no conflicts (2 of 4 stars). 4 submissions from 4 submitters: Uncertain significance (3). 1 of the submissions does not count toward it. Last evaluated 2026-04-17.

Conditions:
T-B+ severe combined immunodeficiency due to JAK3 deficiency. Also called: SCID, autosomal recessive, T-negative/B-positive type; SCID, T CELL-NEGATIVE, B CELL-POSITIVE, NK CELL-NEGATIVE. Identifiers: Orphanet 35078, MedGen C1833275, MONDO:0010938, OMIM 600802.

Allele frequency attached by ClinVar (database versions not stated): gnomAD exomes 0.00001; ESP Exome Variant Server 0.00008; gnomAD 0.00011 and 0.00012; TOPMed 0.00014; ExAC 0.00016.
gnomAD v4.1: 35 of 1,548,968 alleles (0.0023%); highest among the groups gnomAD compares: African/African-American, 0.045%; no homozygotes.

Submissions (4):

Women's Health and Genetics/Laboratory Corporation of America, LabCorp
Classification: Uncertain significance. Last evaluated: 2026-04-17. Review status: criteria provided, single submitter. Criteria: LabCorp Variant Classification Summary - May 2015. Collection method: clinical testing. Allele origin: germline.
Comment: Variant summary: JAK3 c.1142C>A (p.Thr381Asn) results in a non-conservative amino acid change in the encoded protein sequence. Algorithms developed to predict the effect of missense changes on protein structure and function are either unavailable or do not agree on the potential impact of this missense change. Consensus agreement among computation tools predict no significant impact on normal splicing. However, these predictions have yet to be confirmed by functional studies. The frequency data for this variant in gnomAD is considered unreliable, as metrics indicate poor data quality at this position. To our knowledge, no occurrence of c.1142C>A in individuals affected with JAK3-related conditions and no experimental evidence demonstrating its impact on protein function have been reported. ClinVar contains an entry for this variant (Variation ID: 134584). Based on the evidence outlined above, the variant was classified as uncertain significance.

St. Jude Molecular Pathology, St. Jude Children's Research Hospital
Classification: Uncertain significance for T-B+ severe combined immunodeficiency due to JAK3 deficiency. Last evaluated: 2024-07-29. Review status: criteria provided, single submitter. Criteria: St. Jude Assertion Criteria 2020. Collection method: clinical testing. Allele origin: germline.
Comment: The JAK3 c.1142C>A; p.Thr381Asn missense change has a maximum subpopulation frequency of 0.045% in gnomAD v2.1.1. The in silico tool REVEL is inconclusive about a pathogenic or benign effect of this variant on protein function, and to our knowledge functional studies have not been performed. To our knowledge, this variant has not been reported in individuals with JAK3-associated conditions. In summary, the evidence currently available is insufficient to determine the clinical significance of this variant. It has therefore been classified as of uncertain significance.

Labcorp Genetics (formerly Invitae), Labcorp
Classification: Uncertain significance for T-B+ severe combined immunodeficiency due to JAK3 deficiency. Last evaluated: 2022-08-16. Review status: criteria provided, single submitter. Criteria: Invitae Variant Classification Sherloc (09022015). Collection method: clinical testing. Allele origin: germline.
Comment: This sequence change replaces threonine, which is neutral and polar, with asparagine, which is neutral and polar, at codon 381 of the JAK3 protein (p.Thr381Asn). The frequency data for this variant in the population databases is considered unreliable, as metrics indicate poor data quality at this position in the gnomAD database. This variant has not been reported in the literature in individuals affected with JAK3-related conditions. ClinVar contains an entry for this variant (Variation ID: 134584). Algorithms developed to predict the effect of missense changes on protein structure and function are either unavailable or do not agree on the potential impact of this missense change (SIFT: "Tolerated"; PolyPhen-2: "Possibly Damaging"; Align-GVGD: "Class C0"). In summary, the available evidence is currently insufficient to determine the role of this variant in disease. Therefore, it has been classified as a Variant of Uncertain Significance.

ITMI
No classification provided. Condition: AllHighlyPenetrant. Last evaluated: 2013-09-19. Review status: no classification provided. Collection method: reference population. Allele origin: germline. Not counted in ClinVar's aggregate classification.
Comment: Please see associated publication for description of ethnicities

Literature cited by the submitters: PubMed 24728327 (cited by ITMI).

NM_000215.4(JAK3):c.1142C>A (p.Thr381Asn)

Gene: JAK3 (Janus kinase 3; minus strand). Cytogenetic location: 19p13.11.
Variant type: single nucleotide variant.
Coding change: c.1142C>A on transcript NM_000215.4 (MANE Select); coding-DNA position 1142, C replaced by A.
Protein change: p.Thr381Asn; replaces threonine 381 with asparagine.
Molecular consequence: missense variant.
Genome position (GRCh38, 1-based): chr19:17,841,389, G>T on the plus strand (C>A on the coding strand, the complement: JAK3 is on the minus strand). VCF-style: chr19-17841389-G-T. GRCh37 (hg19) VCF-style: chr19-17952198-G-T.
Other names: short protein forms T381N.
Identifiers: ClinVar variation 134584 (VCV000134584.9), dbSNP rs373046546, ClinGen allele CA160261.
Genomic context (GRCh38, chr19:17,841,389, plus strand): 5'-TAGAGAAGGGGAGGGGCCCTGAGTGGCCACAGAGGCCGGGAATGGGGGACAGGTCCTTAC[G>T]TGATGGGGCCGTGGCACTGCTCGGCCACTTCCTCCAGCAGCCTCGGCGGTGCCACCTCCT-3'
Protein context (NP_000206.2, residues 371-391): EVAEQCHGPI[Thr381Asn]LDFAINKLKT